The following is an entry in ClinVar:

NM_015338.6(ASXL1):c.1189C>T (p.Arg397Cys)

Gene: ASXL1 (ASXL transcriptional regulator 1; plus strand). Cytogenetic location: 20q11.21.
Variant type: single nucleotide variant.
Coding change: c.1189C>T on transcript NM_015338.6 (MANE Select); coding-DNA position 1189, C replaced by T.
Protein change: p.Arg397Cys; replaces arginine 397 with cysteine.
Molecular consequence: missense variant.
Genome position (GRCh38, 1-based): chr20:32,433,387, C>T. VCF-style: chr20-32433387-C-T. GRCh37 (hg19) VCF-style: chr20-31021190-C-T.
Other names: c.1006C>T, p.Arg336Cys (NM_001363734.1); short protein forms R336C, R397C.
Identifiers: ClinVar variation 2672878 (VCV002672878.26), dbSNP rs369058266, ClinGen allele CA9808313.

ClinVar aggregate classification (germline): Conflicting classifications of pathogenicity. Review status: criteria provided, conflicting classifications (1 of 4 stars). 3 submissions from 3 submitters: Uncertain significance (1); Likely benign (2). Last evaluated 2024-11-23.

Conditions:
Inborn genetic diseases. Identifiers: MedGen C0950123, MeSH D030342.

Allele frequency attached by ClinVar (database versions not stated): TOPMed 0.00002; gnomAD 0.00004; ESP Exome Variant Server 0.00008; 1000 Genomes Project 30x 0.00016; 1000 Genomes Project 0.00020.
gnomAD v4.1: 27 of 1,614,184 alleles (0.0017%); highest among the groups gnomAD compares: East Asian, 0.0022%; no homozygotes.

Submissions (3):

Ambry Genetics
Classification: Likely benign for Inborn genetic diseases. Last evaluated: 2024-11-23. Review status: criteria provided, single submitter. Criteria: Ambry Variant Classification Scheme 2023. Collection method: clinical testing. Allele origin: germline.

Labcorp Genetics (formerly Invitae), Labcorp
Classification: Uncertain significance. Last evaluated: 2024-07-23. Review status: criteria provided, single submitter. Criteria: Invitae Variant Classification Sherloc (09022015). Collection method: clinical testing. Allele origin: germline.
Comment: This sequence change replaces arginine, which is basic and polar, with cysteine, which is neutral and slightly polar, at codon 397 of the ASXL1 protein (p.Arg397Cys). This variant is present in population databases (rs369058266, gnomAD 0.005%). This variant has not been reported in the literature in individuals affected with ASXL1-related conditions. An algorithm developed to predict the effect of missense changes on protein structure and function (PolyPhen-2) suggests that this variant is likely to be disruptive. In summary, the available evidence is currently insufficient to determine the role of this variant in disease. Therefore, it has been classified as a Variant of Uncertain Significance.

CeGaT Center for Human Genetics Tuebingen
Classification: Likely benign. Last evaluated: 2023-11-01. Review status: criteria provided, single submitter. Criteria: CeGaT Center For Human Genetics Tuebingen Variant Classification Criteria Version 2. Collection method: clinical testing. Allele origin: germline. Affected: yes. Observed: 1 variant allele.
Comment: ASXL1: BP4